The following is an entry in ClinVar:

NM_001002295.2(GATA3):c.865G>A (p.Gly289Arg)

Gene: GATA3 (GATA binding protein 3; plus strand). Cytogenetic location: 10p14.
Variant type: single nucleotide variant.
Coding change: c.865G>A on transcript NM_001002295.2 (MANE Select); coding-DNA position 865, G replaced by A.
Protein change: p.Gly289Arg; replaces glycine 289 with arginine.
Molecular consequence: missense variant.
Genome position (GRCh38, 1-based): chr10:8,064,079, G>A. VCF-style: chr10-8064079-G-A. GRCh37 (hg19) VCF-style: chr10-8106042-G-A.
Other names: c.862G>A, p.Gly288Arg (NM_002051.3); short protein forms G288R, G289R.
Identifiers: ClinVar variation 3602529 (VCV003602529.3).
Genomic context (GRCh38, chr10:8,064,079, plus strand): 5'-GCAACCTCGACCCCACTGTGGCGGCGAGATGGCACGGGACACTACCTGTGCAACGCCTGC[G>A]GGCTCTATCACAAAATGAACGGACAGAACCGGCCCCTCATTAAGCCCAAGCGAAGGCTGG-3'
Protein context (NP_001002295.1, residues 279-299): GTGHYLCNAC[Gly289Arg]LYHKMNGQNR

ClinVar aggregate classification (germline): Uncertain significance. Review status: criteria provided, multiple submitters, no conflicts (2 of 4 stars). 2 submissions from 2 submitters: Uncertain significance (2). Last evaluated 2024-08-02.

Submissions (2):

GeneDx
Classification: Uncertain significance. Last evaluated: 2024-08-02. Review status: criteria provided, single submitter. Criteria: GeneDx Variant Classification Process June 2021. Collection method: clinical testing. Allele origin: germline. Affected: yes.
Comment: Not observed at significant frequency in large population cohorts (gnomAD); In silico analysis supports that this missense variant has a deleterious effect on protein structure/function; This variant is associated with the following publications: (PMID: 25767699)

Labcorp Genetics (formerly Invitae), Labcorp
Classification: Uncertain significance. Last evaluated: 2024-03-14. Review status: criteria provided, single submitter. Criteria: Invitae Variant Classification Sherloc (09022015). Collection method: clinical testing. Allele origin: germline.
Comment: This sequence change replaces glycine, which is neutral and non-polar, with arginine, which is basic and polar, at codon 289 of the GATA3 protein (p.Gly289Arg). This variant is not present in population databases (gnomAD no frequency). This missense change has been observed in individual(s) with hypoparathyroidism (PMID: 25767699). Advanced modeling of protein sequence and biophysical properties (such as structural, functional, and spatial information, amino acid conservation, physicochemical variation, residue mobility, and thermodynamic stability) performed at Invitae indicates that this missense variant is expected to disrupt GATA3 protein function with a positive predictive value of 80%. Experimental studies have shown that this missense change affects GATA3 function (PMID: 25767699). This variant disrupts the p.Gly289 amino acid residue in GATA3. Other variant(s) that disrupt this residue have been observed in individuals with GATA3-related conditions (PMID: 26282285), which suggests that this may be a clinically significant amino acid residue. In summary, the available evidence is currently insufficient to determine the role of this variant in disease. Therefore, it has been classified as a Variant of Uncertain Significance.

Literature cited by the submitters: PubMed 25767699 (cited by Labcorp Genetics (formerly Invitae), Labcorp); PubMed 26282285 (cited by Labcorp Genetics (formerly Invitae), Labcorp).